The following is an entry in ClinVar:

NM_014844.5(TECPR2):c.2273A>G (p.Tyr758Cys)

Gene: TECPR2 (tectonin beta-propeller repeat containing 2; plus strand). Cytogenetic location: 14q32.31.
Variant type: single nucleotide variant.
Coding change: c.2273A>G on transcript NM_014844.5 (MANE Select); coding-DNA position 2273, A replaced by G.
Protein change: p.Tyr758Cys; replaces tyrosine 758 with cysteine.
Molecular consequence: missense variant.
Genome position (GRCh38, 1-based): chr14:102,435,090, A>G. VCF-style: chr14-102435090-A-G. GRCh37 (hg19) VCF-style: chr14-102901427-A-G.
Other names: c.2273A>G (NM_014844.3); c.2273A>G, p.Tyr758Cys (NM_001172631.3); short protein forms Y758C.
Identifiers: ClinVar variation 1980733 (VCV001980733.2), dbSNP rs775251321, ClinGen allele CA7357881.

ClinVar aggregate classification (germline): Uncertain significance. Review status: criteria provided, multiple submitters, no conflicts (2 of 4 stars). 2 submissions from 2 submitters: Uncertain significance (2). Last evaluated 2024-07-23.

Conditions:
Hereditary spastic paraplegia 49 (HSAN9). Also called: TECPR2-Related Hereditary Sensory and Autonomic Neuropathy with Intellectual Disability; NEUROPATHY, HEREDITARY SENSORY AND AUTONOMIC, TYPE IX, WITH DEVELOPMENTAL DELAY; Spastic paraplegia 49, autosomal recessive. Identifiers: Orphanet 320385, MedGen C5190860, MONDO:0014016, OMIM 615031.

Allele frequency attached by ClinVar (database versions not stated): gnomAD exomes 0.00001; TOPMed 0.00001; ExAC 0.00004.
gnomAD v4.1: 11 of 1,613,960 alleles (0.00068%); highest among the groups gnomAD compares: African/African-American, 0.0013%; no homozygotes.

Submissions (2):

GeneDx
Classification: Uncertain significance. Last evaluated: 2024-07-23. Review status: criteria provided, single submitter. Criteria: GeneDx Variant Classification Process June 2021. Collection method: clinical testing. Allele origin: germline. Affected: yes.
Comment: Not observed at significant frequency in large population cohorts (gnomAD); In silico analysis supports that this missense variant has a deleterious effect on protein structure/function; Has not been previously published as pathogenic or benign to our knowledge

Labcorp Genetics (formerly Invitae), Labcorp
Classification: Uncertain significance for Hereditary spastic paraplegia 49. Last evaluated: 2021-09-02. Review status: criteria provided, single submitter. Criteria: Invitae Variant Classification Sherloc (09022015). Collection method: clinical testing. Allele origin: germline.
Comment: This sequence change replaces tyrosine with cysteine at codon 758 of the TECPR2 protein (p.Tyr758Cys). The tyrosine residue is highly conserved and there is a large physicochemical difference between tyrosine and cysteine. This variant is present in population databases (rs775251321, ExAC 0.008%). This variant has not been reported in the literature in individuals affected with TECPR2-related conditions. Algorithms developed to predict the effect of missense changes on protein structure and function are either unavailable or do not agree on the potential impact of this missense change (SIFT: "Deleterious"; PolyPhen-2: "Probably Damaging"; Align-GVGD: "Class C0"). In summary, the available evidence is currently insufficient to determine the role of this variant in disease. Therefore, it has been classified as a Variant of Uncertain Significance.